The following is an entry in ClinVar:

NM_203447.4(DOCK8):c.3196G>A (p.Gly1066Ser)

Gene: DOCK8 (dedicator of cytokinesis 8; plus strand). Cytogenetic location: 9p24.3.
Variant type: single nucleotide variant.
Coding change: c.3196G>A on transcript NM_203447.4 (MANE Select); coding-DNA position 3196, G replaced by A.
Protein change: p.Gly1066Ser; replaces glycine 1066 with serine.
Molecular consequence: missense variant.
Genome position (GRCh38, 1-based): chr9:399,221, G>A. VCF-style: chr9-399221-G-A. GRCh37 (hg19) VCF-style: chr9-399221-G-A.
Other names: c.2896G>A, p.Gly966Ser (NM_001190458.2); c.2992G>A, p.Gly998Ser (NM_001193536.2); short protein forms G966S, G998S, G1066S.
Identifiers: ClinVar variation 658024 (VCV000658024.10), dbSNP rs528879050, ClinGen allele CA187758655.
Genomic context (GRCh38, chr9:399,221, plus strand): 5'-GAAAAGATGAACATCAGCCTGGCTTTCTTCTTGTATGACCTTCTCTCCCTCATGGATCGG[G>A]GCTTTGTGTTTAACCTCATCAGACATTATTGCAGCCAGGTGAGTGTCCCCCCCACCCCCA-3'
Protein context (NP_982272.2, residues 1056-1076): LYDLLSLMDR[Gly1066Ser]FVFNLIRHYC

ClinVar aggregate classification (germline): Uncertain significance. Review status: criteria provided, multiple submitters, no conflicts (2 of 4 stars). 2 submissions from 2 submitters: Uncertain significance (2). Last evaluated 2024-05-10.

Conditions:
Combined immunodeficiency due to DOCK8 deficiency (HIES2). Also called: HIES autosomal recessive; HYPER-IgE RECURRENT INFECTION SYNDROME 2, AUTOSOMAL RECESSIVE; HYPER-IgE SYNDROME 2, AUTOSOMAL RECESSIVE, WITH RECURRENT INFECTIONS; Hyper-IgE recurrent infection syndrome, autosomal recessive; DOCK8 Deficiency. Identifiers: Orphanet 217390, MedGen C4722305, MONDO:0009478, OMIM 243700.

Allele frequency attached by ClinVar (database versions not stated): gnomAD exomes below 0.00001 and 0.00001; TOPMed 0.00001; gnomAD 0.00003; 1000 Genomes Project 30x 0.00016; 1000 Genomes Project 0.00020.
gnomAD v4.1: 22 of 1,613,954 alleles (0.0014%); highest among the groups gnomAD compares: Non-Finnish European, 0.0014%; no homozygotes.

Submissions (2):

Blueprint Genetics
Classification: Uncertain significance. Last evaluated: 2024-05-10. Review status: criteria provided, single submitter. Criteria: ACMG Guidelines, 2015. Collection method: clinical testing. Allele origin: germline.

Labcorp Genetics (formerly Invitae), Labcorp
Classification: Uncertain significance for Combined immunodeficiency due to DOCK8 deficiency. Last evaluated: 2022-07-06. Review status: criteria provided, single submitter. Criteria: Invitae Variant Classification Sherloc (09022015). Collection method: clinical testing. Allele origin: germline.
Comment: This variant is present in population databases (rs528879050, gnomAD 0.004%). In summary, the available evidence is currently insufficient to determine the role of this variant in disease. Therefore, it has been classified as a Variant of Uncertain Significance. Algorithms developed to predict the effect of missense changes on protein structure and function output the following: SIFT: "Tolerated"; PolyPhen-2: "Benign"; Align-GVGD: "Class C0". The serine amino acid residue is found in multiple mammalian species, which suggests that this missense change does not adversely affect protein function. ClinVar contains an entry for this variant (Variation ID: 658024). This variant has not been reported in the literature in individuals affected with DOCK8-related conditions. This sequence change replaces glycine, which is neutral and non-polar, with serine, which is neutral and polar, at codon 1066 of the DOCK8 protein (p.Gly1066Ser).